The following is an entry in ClinVar:

NM_000551.4(VHL):c.191G>T (p.Arg64Leu)

Gene: VHL (von Hippel-Lindau tumor suppressor; plus strand). Cytogenetic location: 3p25.3.
Variant type: single nucleotide variant.
Coding change: c.191G>T on transcript NM_000551.4 (MANE Select); coding-DNA position 191, G replaced by T.
Protein change: p.Arg64Leu; replaces arginine 64 with leucine.
Molecular consequence: missense variant. On other transcripts: non-coding transcript variant (1).
Genome position (GRCh38, 1-based): chr3:10,142,038, G>T. VCF-style: chr3-10142038-G-T. GRCh37 (hg19) VCF-style: chr3-10183722-G-T.
Other names: c.191G>T, p.Arg64Leu (NM_001354723.2, NM_198156.3); short protein forms R64L.
Identifiers: ClinVar variation 3468020 (VCV003468020.1).

ClinVar aggregate classification (germline): Uncertain significance (1 of 4 stars; one submission).

Conditions:
Hereditary cancer-predisposing syndrome. Also called: Tumor predisposition; Neoplastic Syndromes, Hereditary; Hereditary neoplastic syndrome; Hereditary Cancer Syndrome. Identifiers: Orphanet 140162, MedGen C0027672, MeSH D009386, MONDO:0015356.

Submission:

Ambry Genetics
Classification: Uncertain significance for Hereditary cancer-predisposing syndrome. Last evaluated: 2024-07-22. Review status: criteria provided, single submitter. Criteria: Ambry Variant Classification Scheme 2023. Collection method: clinical testing. Allele origin: germline.
Comment: The p.R64L variant (also known as c.191G>T), located in coding exon 1 of the VHL gene, results from a G to T substitution at nucleotide position 191. The arginine at codon 64 is replaced by leucine, an amino acid with dissimilar properties. This variant was detected in 2/1244 patients with osteosarcoma (Mirabello L et al. JAMA Oncol, 2020 May;6:724-734). This amino acid position is highly conserved in available vertebrate species. In addition, this alteration is predicted to be deleterious by in silico analysis. Based on the available evidence, the clinical significance of this variant remains unclear.

Literature cited by the submitters: PubMed 32191290.